The following is an entry in ClinVar:

ClinVar aggregate classification (germline): Uncertain significance. Review status: criteria provided, multiple submitters, no conflicts (2 of 4 stars). 2 submissions from 2 submitters: Uncertain significance (2). Last evaluated 2024-04-16.

Conditions:
Fanconi anemia (FA). Also called: Fanconi's anemia. Identifiers: Orphanet 84, MedGen C0015625, MeSH D005199, MONDO:0019391.

Allele frequency attached by ClinVar (database versions not stated): gnomAD 0.00001; ExAC 0.00002; ESP Exome Variant Server 0.00008; TOPMed 0.00002; gnomAD exomes 0.00001.
gnomAD v4.1: 11 of 1,613,884 alleles (0.00068%); highest among the groups gnomAD compares: African/African-American, 0.0027%; no homozygotes.

Submissions (2):

GeneDx
Classification: Uncertain significance. Last evaluated: 2024-04-16. Review status: criteria provided, single submitter. Criteria: GeneDx Variant Classification Process June 2021. Collection method: clinical testing. Allele origin: germline.
Comment: Not observed at significant frequency in large population cohorts (gnomAD); In silico analysis supports that this missense variant has a deleterious effect on protein structure/function; Observed in one individual with a head and neck squamous cell carcinoma (PMID: 28678401); This variant is associated with the following publications: (PMID: 28678401)

Labcorp Genetics (formerly Invitae), Labcorp
Classification: Uncertain significance for Fanconi anemia. Last evaluated: 2023-01-16. Review status: criteria provided, single submitter. Criteria: Invitae Variant Classification Sherloc (09022015). Collection method: clinical testing. Allele origin: germline.
Comment: This missense change has been observed in individual(s) with head and neck squamous cell carcinoma (PMID: 28678401). This variant is present in population databases (rs139996409, gnomAD 0.004%). This sequence change replaces arginine, which is basic and polar, with cysteine, which is neutral and slightly polar, at codon 1860 of the FANCM protein (p.Arg1860Cys). ClinVar contains an entry for this variant (Variation ID: 1062370). Algorithms developed to predict the effect of missense changes on protein structure and function are either unavailable or do not agree on the potential impact of this missense change (SIFT: "Deleterious"; PolyPhen-2: "Probably Damaging"; Align-GVGD: "Class C0"). In summary, the available evidence is currently insufficient to determine the role of this variant in disease. Therefore, it has been classified as a Variant of Uncertain Significance.

Literature cited by the submitters: PubMed 28678401 (cited by Labcorp Genetics (formerly Invitae), Labcorp).

NM_020937.4(FANCM):c.5578C>T (p.Arg1860Cys)

Gene: FANCM (FA complementation group M; plus strand). Cytogenetic location: 14q21.2.
Variant type: single nucleotide variant.
Coding change: c.5578C>T on transcript NM_020937.4 (MANE Select); coding-DNA position 5578, C replaced by T.
Protein change: p.Arg1860Cys; replaces arginine 1860 with cysteine.
Molecular consequence: missense variant.
Genome position (GRCh38, 1-based): chr14:45,196,409, C>T. VCF-style: chr14-45196409-C-T. GRCh37 (hg19) VCF-style: chr14-45665612-C-T.
Other names: c.5500C>T, p.Arg1834Cys (NM_001308133.2); short protein forms R1834C, R1860C.
Identifiers: ClinVar variation 1062370 (VCV001062370.11), dbSNP rs139996409, ClinGen allele CA7170023.